The following is an entry in ClinVar:

ClinVar aggregate classification (germline): Conflicting classifications of pathogenicity. Review status: criteria provided, conflicting classifications (1 of 4 stars). 2 submissions from 2 submitters: Uncertain significance (1); Likely benign (1). Last evaluated 2026-01-20.

Conditions:
Hereditary cancer-predisposing syndrome. Also called: Tumor predisposition; Hereditary Cancer Syndrome; Hereditary neoplastic syndrome; Neoplastic Syndromes, Hereditary. Identifiers: Orphanet 140162, MedGen C0027672, MeSH D009386, MONDO:0015356.
Hereditary breast ovarian cancer syndrome. Also called: Hereditary breast and ovarian cancer; Hereditary breast and/or ovarian cancer syndrome; BRCA1- and BRCA2-Associated Hereditary Breast and Ovarian Cancer; Hereditary breast and ovarian cancer syndrome; Hereditary breast and ovarian cancer syndrome (HBOC); Breast and ovarian cancer. Identifiers: Orphanet 145, MedGen C0677776, MeSH D061325, MONDO:0003582. Disease mechanism: loss of function.

gnomAD v4.1: 1 of 1,613,328 alleles (0.000062%); highest among the groups gnomAD compares: South Asian, 0.0011%; no homozygotes.

Submissions (2):

Labcorp Genetics (formerly Invitae), Labcorp
Classification: Uncertain significance for Hereditary breast ovarian cancer syndrome. Last evaluated: 2026-01-20. Review status: criteria provided, single submitter. Criteria: Invitae Variant Classification Sherloc (09022015). Collection method: clinical testing. Allele origin: germline.
Comment: This sequence change replaces alanine, which is neutral and non-polar, with serine, which is neutral and polar, at codon 2603 of the BRCA2 protein (p.Ala2603Ser). This variant is not present in population databases (gnomAD no frequency). This variant has not been reported in the literature in individuals affected with BRCA2-related conditions. ClinVar contains an entry for this variant (Variation ID: 409500). An algorithm developed to predict the effect of missense changes on protein structure and function (PolyPhen-2) suggests that this variant is likely to be disruptive. In summary, the available evidence is currently insufficient to determine the role of this variant in disease. Therefore, it has been classified as a Variant of Uncertain Significance.

Ambry Genetics
Classification: Likely benign for Hereditary cancer-predisposing syndrome. Last evaluated: 2025-05-19. Review status: criteria provided, single submitter. Criteria: Ambry Variant Classification Scheme 2023. Collection method: clinical testing. Allele origin: germline.

NM_000059.4(BRCA2):c.7807G>T (p.Ala2603Ser)

Gene: BRCA2 (BRCA2 DNA repair associated; plus strand). Cytogenetic location: 13q13.1.
Variant type: single nucleotide variant.
Coding change: c.7807G>T on transcript NM_000059.4 (MANE Select); coding-DNA position 7807, G replaced by T.
Protein change: p.Ala2603Ser; replaces alanine 2603 with serine.
Molecular consequence: missense variant.
Genome position (GRCh38, 1-based): chr13:32,362,524, G>T. VCF-style: chr13-32362524-G-T. GRCh37 (hg19) VCF-style: chr13-32936661-G-T.
Other names: short protein forms A2603S.
Identifiers: ClinVar variation 409500 (VCV000409500.12), dbSNP rs730881560, ClinGen allele CA16613947.